The following is an entry in ClinVar:

ClinVar aggregate classification (germline): Uncertain significance (1 of 4 stars; one submission).

Conditions:
GIGYF2-related disorder. Also called: GIGYF2-related condition.

gnomAD v4.1: 24 of 1,613,522 alleles (0.0015%); highest among the groups gnomAD compares: Non-Finnish European, 0.0018%; no homozygotes.

Submission:

PreventionGenetics, part of Exact Sciences
Classification: Uncertain significance for GIGYF2-related condition. Last evaluated: 2025-09-30. Review status: criteria provided, single submitter. Criteria: ACMG Guidelines, 2015. Collection method: clinical testing. Allele origin: germline.
Comment: The GIGYF2 c.3724G>A variant is predicted to result in the amino acid substitution p.Val1242Ile. This variant was reported in individuals with Parkinson disease (Lautier et al. 2008. PubMed ID: 18358451; Guella et al. 2010. PubMed ID: 20060621), however this variant has also been reported in a control individual (Nichols et al. 2009. PubMed ID: 19279319). This variant is reported in 0.0040% of alleles in individuals of African descent in gnomAD. At this time, the clinical significance of this variant is uncertain due to the absence of conclusive functional and genetic evidence.

NM_001103146.3(GIGYF2):c.3724G>A (p.Val1242Ile)

Gene: GIGYF2 (GRB10 interacting GYF protein 2; plus strand). Cytogenetic location: 2q37.1.
Variant type: single nucleotide variant.
Coding change: c.3724G>A on transcript NM_001103146.3 (MANE Select); coding-DNA position 3724, G replaced by A.
Protein change: p.Val1242Ile; replaces valine 1242 with isoleucine.
Molecular consequence: missense variant. On other transcripts: non-coding transcript variant (1).
Genome position (GRCh38, 1-based): chr2:232,850,301, G>A. VCF-style: chr2-232850301-G-A. GRCh37 (hg19) VCF-style: chr2-233715011-G-A.
Other names: c.3787G>A, p.Val1263Ile (NM_001103147.2); c.3706G>A, p.Val1236Ile (NM_001103148.2); c.3724G>A, p.Val1242Ile (NM_015575.4); short protein forms V1236I, V1242I, V1263I.
Identifiers: ClinVar variation 4978467 (VCV004978467.1).